The following is an entry in ClinVar:

ClinVar aggregate classification (germline): Pathogenic/Likely pathogenic. Review status: criteria provided, multiple submitters, no conflicts (2 of 4 stars). 8 submissions from 8 submitters: Pathogenic (4); Likely pathogenic (3). 1 of the submissions does not count toward it. Last evaluated 2025-08-05.

Conditions:
Hereditary cancer-predisposing syndrome. Also called: Tumor predisposition; Neoplastic Syndromes, Hereditary; Hereditary Cancer Syndrome; Hereditary neoplastic syndrome. Identifiers: Orphanet 140162, MedGen C0027672, MeSH D009386, MONDO:0015356.
Microcephaly, normal intelligence and immunodeficiency (NBS). Also called: Nijmegen breakage syndrome; Microcephaly with normal intelligence immunodeficiency and lymphoreticular malignancies; Nonsyndromal microcephaly autosomal recessive with normal intelligence; Seemanova syndrome 2; Immunodeficiency, microcephaly with normal intelligence; BERLIN BREAKAGE SYNDROME. Identifiers: Orphanet 647, MedGen C0398791, MONDO:0009623, OMIM 251260.
Aplastic anemia. Identifiers: Orphanet 182040, Orphanet 88, MedGen C0002874, MONDO:0015909, OMIM 609135, HP:0001915.
Acute lymphoid leukemia (ALL). Also called: Acute lymphoblastic leukemia; Acute lymphocytic leukemia; Leukemia, acute lymphoblastic, somatic; Lymphoblastic leukemia. Identifiers: Orphanet 513, MedGen C0023449, MONDO:0004967, OMIM 613065, HP:0006721.

Allele frequency attached by ClinVar (database versions not stated): gnomAD exomes below 0.00001; gnomAD 0.00001; TOPMed 0.00001.

Submissions (8):

Labcorp Genetics (formerly Invitae), Labcorp
Classification: Pathogenic for Microcephaly, normal intelligence and immunodeficiency. Last evaluated: 2025-08-05. Review status: criteria provided, single submitter. Criteria: Invitae Variant Classification Sherloc (09022015). Collection method: clinical testing. Allele origin: germline.
Comment: This sequence change creates a premature translational stop signal (p.Leu4Argfs*16) in the NBN gene. It is expected to result in an absent or disrupted protein product. Loss-of-function variants in NBN are known to be pathogenic (PMID: 9590180, 16415040). This variant is not present in population databases (gnomAD no frequency). This premature translational stop signal has been observed in individual(s) with endometrial cancer and a family history of breast cancer (PMID: 27443514). ClinVar contains an entry for this variant (Variation ID: 418370). For these reasons, this variant has been classified as Pathogenic.

Natera, Inc.
Classification: Likely pathogenic for Nijmegen breakage syndrome. Last evaluated: 2024-06-14. Review status: criteria provided, single submitter. Criteria: Natera Variant Classification Schema (03/2026). Collection method: clinical testing. Allele origin: germline.
Comment: The c.11delT variant in NBN is a frameshift variant predicted to shift the reading frame beginning at codon 4 and leads to a stop codon 16 codons downstream. This variant is expected to result in nonsense mediated decay, truncation, or a dysfunctional protein product. This variant is rare in the general population with a frequency below the threshold expected for the associated phenotype(s). Given the available evidence, this variant is classified as Likely Pathogenic.

Fulgent Genetics
Classification: Pathogenic for Microcephaly, normal intelligence and immunodeficiency; Aplastic anemia; Acute lymphoid leukemia. Last evaluated: 2024-03-05. Review status: criteria provided, single submitter. Criteria: ACMG Guidelines, 2015. Collection method: clinical testing. Allele origin: germline.

Baylor Genetics
Classification: Likely pathogenic for Aplastic anemia. Last evaluated: 2023-11-06. Review status: criteria provided, single submitter. Criteria: ACMG Guidelines, 2015. Collection method: clinical testing. Allele origin: unknown.

GeneDx
Classification: Likely pathogenic. Last evaluated: 2023-06-16. Review status: criteria provided, single submitter. Criteria: GeneDx Variant Classification Process June 2021. Collection method: clinical testing. Allele origin: germline. Affected: yes.
Comment: Frameshift variant predicted to result in protein truncation or nonsense mediated decay in a gene for which loss of function is a known mechanism of disease; Not observed at significant frequency in large population cohorts (gnomAD); Observed in a patient with endometrial cancer (Ring et al., 2016); This variant is associated with the following publications: (PMID: 32427313, 27443514)

Genome-Nilou Lab
Classification: Pathogenic for Microcephaly, normal intelligence and immunodeficiency. Last evaluated: 2021-11-07. Review status: criteria provided, single submitter. Criteria: ACMG Guidelines, 2015. Collection method: clinical testing. Allele origin: germline. Affected: no.

Ambry Genetics
Classification: Pathogenic for Hereditary cancer-predisposing syndrome. Last evaluated: 2021-10-19. Review status: criteria provided, single submitter. Criteria: Ambry Variant Classification Scheme 2023. Collection method: clinical testing. Allele origin: germline.
Comment: The c.11delT pathogenic mutation, located in coding exon 1 of the NBN gene, results from a deletion of one nucleotide at nucleotide position 11, causing a translational frameshift with a predicted alternate stop codon (p.L4Rfs*16). This alteration has been previously detected in a cohort of 381 unselected endometrial cancer patients who underwent multi-gene panel testing (Ring KL et al. Mod Pathol, 2016 11;29:1381-1389). This variant is considered to be rare based on population cohorts in the Genome Aggregation Database (gnomAD). This alteration is expected to result in loss of function by premature protein truncation or nonsense-mediated mRNA decay. As such, this alteration is interpreted as a disease-causing mutation.

Counsyl
Classification: Likely pathogenic for Microcephaly, normal intelligence and immunodeficiency. Last evaluated: 2017-10-27. Review status: no assertion criteria provided. Collection method: clinical testing. Allele origin: unknown. Not counted in ClinVar's aggregate classification.

Literature cited by the submitters: PubMed 9590180 (cited by Labcorp Genetics (formerly Invitae), Labcorp); PubMed 16415040 (cited by Labcorp Genetics (formerly Invitae), Labcorp); PubMed 27443514 (cited by Labcorp Genetics (formerly Invitae), Labcorp and Ambry Genetics).

NM_002485.5(NBN):c.11del (p.Leu4fs)

Gene: NBN (nibrin; minus strand). Cytogenetic location: 8q21.3.
Variant type: Deletion.
Coding change: c.11del on transcript NM_002485.5 (MANE Select); coding-DNA position 11, one base deleted (T; older notation c.11delT).
Protein change: p.Leu4fs; shifts the reading frame from leucine 4.
Molecular consequence: frameshift variant. On other transcripts: 5 prime UTR variant (1).
Genome position (GRCh38, 1-based): chr8:89,984,551, A deleted on the plus strand (T on the coding strand, the reverse complement: NBN is on the minus strand). VCF-style (leftmost placement, unchanged base first): chr8-89984550-CA-C. GRCh37 (hg19) VCF-style: chr8-90996778-CA-C.
Other names: c.11delT (NM_002485.4); c.-286del (NM_001024688.3).
Identifiers: ClinVar variation 418370 (VCV000418370.28), dbSNP rs1064793210, ClinGen allele CA16618719.